The following is an entry in ClinVar:

ClinVar aggregate classification (germline): Uncertain significance (1 of 4 stars; one submission).

Conditions:
Hereditary nonpolyposis colorectal neoplasms. Identifiers: MedGen C0009405, MeSH D003123.

Submission:

Labcorp Genetics (formerly Invitae), Labcorp
Classification: Uncertain significance for Hereditary nonpolyposis colorectal neoplasms. Last evaluated: 2021-12-17. Review status: criteria provided, single submitter. Criteria: Invitae Variant Classification Sherloc (09022015). Collection method: clinical testing. Allele origin: germline.
Comment: In summary, the available evidence is currently insufficient to determine the role of this variant in disease. Therefore, it has been classified as a Variant of Uncertain Significance. Advanced modeling of protein sequence and biophysical properties (such as structural, functional, and spatial information, amino acid conservation, physicochemical variation, residue mobility, and thermodynamic stability) performed at Invitae indicates that this missense variant is not expected to disrupt MSH6 protein function. This variant has not been reported in the literature in individuals affected with MSH6-related conditions. This variant is not present in population databases (gnomAD no frequency). This sequence change replaces tyrosine, which is neutral and polar, with histidine, which is basic and polar, at codon 166 of the MSH6 protein (p.Tyr166His).

NM_000179.3(MSH6):c.496T>C (p.Tyr166His)

Gene: MSH6 (mutS homolog 6; plus strand). Cytogenetic location: 2p16.3.
Variant type: single nucleotide variant.
Coding change: c.496T>C on transcript NM_000179.3 (MANE Select); coding-DNA position 496, T replaced by C.
Protein change: p.Tyr166His; replaces tyrosine 166 with histidine.
Molecular consequence: missense variant. On other transcripts: intron variant (2), 5 prime UTR variant (1).
Genome position (GRCh38, 1-based): chr2:47,795,932, T>C. VCF-style: chr2-47795932-T-C. GRCh37 (hg19) VCF-style: chr2-48023071-T-C.
Other names: c.199T>C, p.Tyr67His (NM_001406801.1, NM_001406805.1, NM_001406827.1 and 10 more transcripts); c.592T>C, p.Tyr198His (NM_001406802.1, NM_001406795.1); c.496T>C, p.Tyr166His (NM_001406803.1, NM_001406808.1, NM_001406809.1 and 5 more transcripts); c.418T>C, p.Tyr140His (NM_001406804.1); c.-30T>C (NM_001406806.1, NM_001406807.1, NM_001406799.1); c.502T>C, p.Tyr168His (NM_001406813.1); c.-279-2679T>C (NM_001281493.2); c.238-2679T>C (NM_001281492.2); and 3 more; short protein forms Y110H, Y166H, Y168H, Y198H, Y67H, Y140H.
Identifiers: ClinVar variation 2044598 (VCV002044598.4), dbSNP rs2104230811, ClinGen allele CA346738636.